The following is an entry in ClinVar:

NM_001042492.3(NF1):c.203T>C (p.Met68Thr)

Gene: NF1 (neurofibromin 1; plus strand). Cytogenetic location: 17q11.2.
Variant type: single nucleotide variant.
Coding change: c.203T>C on transcript NM_001042492.3 (MANE Select); coding-DNA position 203, T replaced by C.
Protein change: p.Met68Thr; replaces methionine 68 with threonine.
Molecular consequence: missense variant.
Genome position (GRCh38, 1-based): chr17:31,156,125, T>C. VCF-style: chr17-31156125-T-C. GRCh37 (hg19) VCF-style: chr17-29483143-T-C.
Other names: c.203T>C, p.Met68Thr (NM_000267.4, NM_001128147.3); short protein forms M68T.
Identifiers: ClinVar variation 457559 (VCV000457559.10), dbSNP rs779063198, ClinGen allele CA8485488.

ClinVar aggregate classification (germline): Uncertain significance. Review status: criteria provided, multiple submitters, no conflicts (2 of 4 stars). 3 submissions from 3 submitters: Uncertain significance (3). Last evaluated 2025-09-14.

Conditions:
Hereditary cancer-predisposing syndrome. Also called: Neoplastic Syndromes, Hereditary; Hereditary Cancer Syndrome; Hereditary neoplastic syndrome; Tumor predisposition. Identifiers: Orphanet 140162, MedGen C0027672, MeSH D009386, MONDO:0015356.
Cardiovascular phenotype. Identifiers: MedGen CN230736.
Neurofibromatosis, type 1 (NF1). Also called: VON RECKLINGHAUSEN DISEASE; Peripheral type neurofibromatosis; NEUROFIBROMATOSIS, TYPE I, SOMATIC; Neurofibromatosis, type I. Identifiers: Orphanet 636, MedGen C0027831, MONDO:0018975, OMIM 162200. Disease mechanism: loss of function.

Allele frequency attached by ClinVar (database versions not stated): gnomAD exomes below 0.00001 and 0.00001; ExAC 0.00001.

Submissions (3):

Labcorp Genetics (formerly Invitae), Labcorp
Classification: Uncertain significance for Neurofibromatosis, type 1. Last evaluated: 2025-09-14. Review status: criteria provided, single submitter. Criteria: Invitae Variant Classification Sherloc (09022015). Collection method: clinical testing. Allele origin: germline.
Comment: This sequence change replaces methionine, which is neutral and non-polar, with threonine, which is neutral and polar, at codon 68 of the NF1 protein (p.Met68Thr). This variant is present in population databases (rs779063198, gnomAD 0.0009%). This variant has not been reported in the literature in individuals affected with NF1-related conditions. ClinVar contains an entry for this variant (Variation ID: 457559). An algorithm developed to predict the effect of missense changes on protein structure and function (PolyPhen-2) suggests that this variant is likely to be disruptive. In summary, the available evidence is currently insufficient to determine the role of this variant in disease. Therefore, it has been classified as a Variant of Uncertain Significance.

Blueprint Genetics
Classification: Uncertain significance. Last evaluated: 2020-08-05. Review status: criteria provided, single submitter. Criteria: ACMG Guidelines, 2015. Collection method: clinical testing. Allele origin: germline.

Ambry Genetics
Classification: Uncertain significance for Cardiovascular phenotype; Hereditary cancer-predisposing syndrome. Last evaluated: 2019-12-02. Review status: criteria provided, single submitter. Criteria: Ambry Variant Classification Scheme 2023. Collection method: clinical testing. Allele origin: germline.
Comment: The p.M68T variant (also known as c.203T>C), located in coding exon 2 of the NF1 gene, results from a T to C substitution at nucleotide position 203. The methionine at codon 68 is replaced by threonine, an amino acid with similar properties. This amino acid position is highly conserved in available vertebrate species. In addition, the in silico prediction for this alteration is inconclusive. Since supporting evidence is limited at this time, the clinical significance of this alteration remains unclear.